The following is an entry in ClinVar:

ClinVar aggregate classification (germline): Benign (1 of 4 stars; one submission).

Conditions:
MELAS syndrome (MELAS). Also called: Juvenile myopathy, encephalopathy, lactic acidosis, stroke. Identifiers: Orphanet 550, MedGen C0162671, MONDO:0010789, OMIM 540000.

Submission:

Wong Mito Lab, Molecular and Human Genetics, Baylor College of Medicine
Classification: Benign for MELAS syndrome. Last evaluated: 2019-07-12. Review status: criteria provided, single submitter. Criteria: Modified ACMG Guidelines (Unpublished). Collection method: clinical testing. Allele origin: germline.
Comment: The NC_012920.1:m.5788T>C variant in MT-TC gene is interpreted to be a Benign variant based on the modified ACMG guidelines (unpublished). This variant meets the following evidence codes reported in the guidelines: BS1, BS2, BP4

Literature cited by the submitters: PubMed 31965079.

NC_012920.1(MT-TC):m.5788T>C

Gene: MT-TC (mitochondrially encoded tRNA cysteine; minus strand).
Variant type: single nucleotide variant.
Genome position: chrM-5788-T-C.
Identifiers: ClinVar variation 689991 (VCV000689991.1), dbSNP rs1556423033, ClinGen allele CA913180459.